The following is an entry in ClinVar:

NM_052876.4(NACC1):c.599G>A (p.Ser200Asn)

Gene: NACC1 (nucleus accumbens associated 1; plus strand). Cytogenetic location: 19p13.13.
Variant type: single nucleotide variant.
Coding change: c.599G>A on transcript NM_052876.4 (MANE Select); coding-DNA position 599, G replaced by A.
Protein change: p.Ser200Asn; replaces serine 200 with asparagine.
Molecular consequence: missense variant.
Genome position (GRCh38, 1-based): chr19:13,135,806, G>A. VCF-style: chr19-13135806-G-A. GRCh37 (hg19) VCF-style: chr19-13246620-G-A.
Other names: short protein forms S200N.
Identifiers: ClinVar variation 4743511 (VCV004743511.1).

ClinVar aggregate classification (germline): Uncertain significance (1 of 4 stars; one submission).

Submission:

Labcorp Genetics (formerly Invitae), Labcorp
Classification: Uncertain significance. Last evaluated: 2025-09-20. Review status: criteria provided, single submitter. Criteria: Invitae Variant Classification Sherloc (09022015). Collection method: clinical testing. Allele origin: germline.
Comment: This sequence change replaces serine, which is neutral and polar, with asparagine, which is neutral and polar, at codon 200 of the NACC1 protein (p.Ser200Asn). This variant is not present in population databases (gnomAD no frequency). This variant has not been reported in the literature in individuals affected with NACC1-related conditions. Invitae Evidence Modeling of protein sequence and biophysical properties (such as structural, functional, and spatial information, amino acid conservation, physicochemical variation, residue mobility, and thermodynamic stability) indicates that this missense variant is not expected to disrupt NACC1 protein function with a negative predictive value of 80%. In summary, the available evidence is currently insufficient to determine the role of this variant in disease. Therefore, it has been classified as a Variant of Uncertain Significance.